The following is an entry in ClinVar:

NM_001378454.1(ALMS1):c.8079A>G (p.Glu2693=)

Gene: ALMS1 (ALMS1 centrosome and basal body associated protein; plus strand). Cytogenetic location: 2p13.1.
Variant type: single nucleotide variant.
Coding change: c.8079A>G on transcript NM_001378454.1 (MANE Select); coding-DNA position 8079, A replaced by G.
Protein change: p.Glu2693=; no amino-acid change (glutamic acid 2693 retained).
Molecular consequence: synonymous variant.
Genome position (GRCh38, 1-based): chr2:73,490,038, A>G. VCF-style: chr2-73490038-A-G. GRCh37 (hg19) VCF-style: chr2-73717165-A-G.
Other names: c.8082A>G, p.Glu2694= (NM_015120.4).
Identifiers: ClinVar variation 2142852 (VCV002142852.7), dbSNP rs1323302393, ClinGen allele CA427000776.
Genomic context (GRCh38, chr2:73,490,038, plus strand): 5'-TGAAAAGATGGACCCTTGGCTGTCAGAATTAGTAGAACCTGCTTTTGTGCCACCTAAAGA[A>G]GTGGATTTTCATTCTTCATCACAAATGCCGTCCCCAGAACCCATGAAAAAGTTTACTACC-3'
Protein context (NP_001365383.1, residues 2683-2703): LVEPAFVPPK[Glu2693=]VDFHSSSQMP

ClinVar aggregate classification (germline): Conflicting classifications of pathogenicity. Review status: criteria provided, conflicting classifications (1 of 4 stars). 3 submissions from 3 submitters: Uncertain significance (1); Likely benign (2). Last evaluated 2025-03-24.

Conditions:
Cardiovascular phenotype. Identifiers: MedGen CN230736.
Alstrom syndrome (ALMS). Identifiers: Orphanet 64, MedGen C0268425, MONDO:0008763, OMIM 203800.

Allele frequency attached by ClinVar (database versions not stated): gnomAD 0.00001; gnomAD exomes below 0.00001.
gnomAD v4.1: 3 of 1,614,112 alleles (0.00019%); highest among the groups gnomAD compares: Non-Finnish European, 0.00017%; no homozygotes.

Submissions (3):

GeneDx
Classification: Uncertain significance. Last evaluated: 2025-03-24. Review status: criteria provided, single submitter. Criteria: GeneDx Variant Classification Process June 2021. Collection method: clinical testing. Allele origin: germline.
Comment: Not observed at significant frequency in large population cohorts (gnomAD); In silico analysis indicates that this variant does not alter splicing; Has not been previously published as pathogenic or benign to our knowledge

Labcorp Genetics (formerly Invitae), Labcorp
Classification: Likely benign for Alstrom syndrome. Last evaluated: 2025-01-19. Review status: criteria provided, single submitter. Criteria: Invitae Variant Classification Sherloc (09022015). Collection method: clinical testing. Allele origin: germline.

Ambry Genetics
Classification: Likely benign for Cardiovascular phenotype. Last evaluated: 2024-12-13. Review status: criteria provided, single submitter. Criteria: Ambry Variant Classification Scheme 2023. Collection method: clinical testing. Allele origin: germline.